The following is an entry in ClinVar:

NM_000416.3(IFNGR1):c.1291C>T (p.Pro431Ser)

Gene: IFNGR1 (interferon gamma receptor 1; minus strand). Cytogenetic location: 6q23.3.
Variant type: single nucleotide variant.
Coding change: c.1291C>T on transcript NM_000416.3 (MANE Select); coding-DNA position 1291, C replaced by T.
Protein change: p.Pro431Ser; replaces proline 431 with serine.
Molecular consequence: missense variant.
Genome position (GRCh38, 1-based): chr6:137,198,210, G>A on the plus strand (C>T on the coding strand, the complement: IFNGR1 is on the minus strand). VCF-style: chr6-137198210-G-A. GRCh37 (hg19) VCF-style: chr6-137519347-G-A.
Other names: c.1261C>T, p.Pro421Ser (NM_001363526.1); c.1168C>T, p.Pro390Ser (NM_001363527.1); short protein forms P390S, P421S, P431S.
Identifiers: ClinVar variation 3647827 (VCV003647827.2).

ClinVar aggregate classification (germline): Uncertain significance (1 of 4 stars; one submission).

Conditions:
Disseminated atypical mycobacterial infection. Identifiers: MedGen C0694566.

gnomAD v4.1: 11 of 1,613,970 alleles (0.00068%); highest among the groups gnomAD compares: Admixed American, 0.0017%; no homozygotes.

Submission:

Labcorp Genetics (formerly Invitae), Labcorp
Classification: Uncertain significance for Disseminated atypical mycobacterial infection. Last evaluated: 2025-05-28. Review status: criteria provided, single submitter. Criteria: Invitae Variant Classification Sherloc (09022015). Collection method: clinical testing. Allele origin: germline.
Comment: This sequence change replaces proline, which is neutral and non-polar, with serine, which is neutral and polar, at codon 431 of the IFNGR1 protein (p.Pro431Ser). This variant is present in population databases (rs747857191, gnomAD 0.004%). This variant has not been reported in the literature in individuals affected with IFNGR1-related conditions. ClinVar contains an entry for this variant (Variation ID: 3647827). Invitae Evidence Modeling of protein sequence and biophysical properties (such as structural, functional, and spatial information, amino acid conservation, physicochemical variation, residue mobility, and thermodynamic stability) indicates that this missense variant is not expected to disrupt IFNGR1 protein function with a negative predictive value of 80%. In summary, the available evidence is currently insufficient to determine the role of this variant in disease. Therefore, it has been classified as a Variant of Uncertain Significance.